The following is an entry in ClinVar:

NM_000702.4(ATP1A2):c.2787T>C (p.Ala929=)

Gene: ATP1A2 (ATPase Na+/K+ transporting subunit alpha 2; plus strand). Cytogenetic location: 1q23.2.
Variant type: single nucleotide variant.
Coding change: c.2787T>C on transcript NM_000702.4 (MANE Select); coding-DNA position 2787, T replaced by C.
Protein change: p.Ala929=; no amino-acid change (alanine 929 retained).
Molecular consequence: synonymous variant.
Genome position (GRCh38, 1-based): chr1:160,136,978, T>C. VCF-style: chr1-160136978-T-C. GRCh37 (hg19) VCF-style: chr1-160106768-T-C.
Identifiers: ClinVar variation 3060496 (VCV003060496.2), dbSNP rs2524892018, ClinGen allele CA421352074.

ClinVar aggregate classification (germline): Likely benign (0 of 4 stars; one submission).

Conditions:
ATP1A2-related disorder. Also called: ATP1A2-RELATED DISORDERS; ATP1A2-related condition.

Submission:

PreventionGenetics, part of Exact Sciences
Classification: Likely benign for ATP1A2-related condition. Last evaluated: 2019-04-12. Review status: no assertion criteria provided. Collection method: clinical testing. Allele origin: germline.
Comment: This variant is classified as likely benign based on ACMG/AMP sequence variant interpretation guidelines (Richards et al. 2015 PMID: 25741868, with internal and published modifications).